The following is an entry in ClinVar:

ClinVar aggregate classification (germline): Likely benign. Review status: criteria provided, multiple submitters, no conflicts (2 of 4 stars). 2 submissions from 2 submitters: Likely benign (2). Last evaluated 2025-07-19.

Conditions:
PKHD1-related disorder. Also called: PKHD1-related condition.
Autosomal recessive polycystic kidney disease (ARPKD). Also called: AR polycystic kidney disease. Identifiers: Orphanet 731, Orphanet 8378, MedGen C0085548, MeSH D017044, MONDO:0009889.

Allele frequency attached by ClinVar (database versions not stated): gnomAD exomes below 0.00001 and 0.00003; TOPMed 0.00002; gnomAD 0.00004.
gnomAD v4.1: 56 of 1,613,208 alleles (0.0035%); highest among the groups gnomAD compares: Middle Eastern, 0.016%; no homozygotes.

Submissions (2):

PreventionGenetics, part of Exact Sciences
Classification: Likely benign for PKHD1-related condition. Last evaluated: 2025-07-19. Review status: criteria provided, single submitter. Criteria: ACMG Guidelines, 2015. Collection method: clinical testing. Allele origin: germline.
Comment: This variant is classified as likely benign based on ACMG/AMP sequence variant interpretation guidelines (Richards et al. 2015 PMID: 25741868, with internal and published modifications).

Labcorp Genetics (formerly Invitae), Labcorp
Classification: Likely benign for Autosomal recessive polycystic kidney disease. Last evaluated: 2023-12-12. Review status: criteria provided, single submitter. Criteria: Invitae Variant Classification Sherloc (09022015). Collection method: clinical testing. Allele origin: germline.

NM_138694.4(PKHD1):c.1837-10G>A

Gene: PKHD1 (PKHD1 ciliary IPT domain containing fibrocystin/polyductin; minus strand). Cytogenetic location: 6p12.2.
Variant type: single nucleotide variant.
Coding change: c.1837-10G>A on transcript NM_138694.4 (MANE Select); 10 bases into the intron before coding-DNA position 1837, G replaced by A.
Molecular consequence: intron variant.
Genome position (GRCh38, 1-based): chr6:52,054,175, C>T on the plus strand (G>A on the coding strand, the complement: PKHD1 is on the minus strand). VCF-style: chr6-52054175-C-T. GRCh37 (hg19) VCF-style: chr6-51918973-C-T.
Other names: c.1837-10G>A (NM_138694.3, NM_170724.3).
Identifiers: ClinVar variation 1157443 (VCV001157443.10), dbSNP rs749163934, ClinGen allele CA138915747.